The following is an entry in ClinVar:

ClinVar aggregate classification (germline): Uncertain significance (1 of 4 stars; one submission).

Conditions:
Usher syndrome type 3B. Also called: USHER SYNDROME, TYPE IIIB. Identifiers: MedGen C3281066, MONDO:0013788, OMIM 614504.

Submission:

Labcorp Genetics (formerly Invitae), Labcorp
Classification: Uncertain significance for Usher syndrome type 3B. Last evaluated: 2024-06-25. Review status: criteria provided, single submitter. Criteria: Invitae Variant Classification Sherloc (09022015). Collection method: clinical testing. Allele origin: germline.
Comment: This sequence change replaces serine, which is neutral and polar, with glycine, which is neutral and non-polar, at codon 27 of the HARS protein (p.Ser27Gly). This variant is not present in population databases (gnomAD no frequency). This variant has not been reported in the literature in individuals affected with HARS-related conditions. Algorithms developed to predict the effect of missense changes on protein structure and function output the following: SIFT: "Not Available"; PolyPhen-2: "Benign"; Align-GVGD: "Not Available". The glycine amino acid residue is found in multiple mammalian species, which suggests that this missense change does not adversely affect protein function. In summary, the available evidence is currently insufficient to determine the role of this variant in disease. Therefore, it has been classified as a Variant of Uncertain Significance.

NM_002109.6(HARS1):c.79A>G (p.Ser27Gly)

Genes: HARS1 (histidyl-tRNA synthetase 1; minus strand), LOC129994848 (ATAC-STARR-seq lymphoblastoid active region 23285; plus strand). Cytogenetic location: 5q31.3.
Variant type: single nucleotide variant.
Coding change: c.79A>G on transcript NM_002109.6 (MANE Select); coding-DNA position 79, A replaced by G.
Protein change: p.Ser27Gly; replaces serine 27 with glycine.
Molecular consequence: missense variant. On other transcripts: intron variant (1).
Genome position (GRCh38, 1-based): chr5:140,691,226, T>C on the plus strand (A>G on the coding strand, the complement: HARS1 is on the minus strand). VCF-style: chr5-140691226-T-C. GRCh37 (hg19) VCF-style: chr5-140070811-T-C.
Other names: c.79A>G, p.Ser27Gly (NM_001258040.3, NM_001258041.3, NM_001258042.3 and 2 more transcripts); c.3+76A>G (NM_001289094.2); short protein forms S27G.
Identifiers: ClinVar variation 3691885 (VCV003691885.2).